The following is an entry in ClinVar:

ClinVar aggregate classification (germline): Uncertain significance (1 of 4 stars; one submission).

gnomAD v4.1: 4 of 1,614,052 alleles (0.00025%); highest among the groups gnomAD compares: South Asian, 0.0011%; no homozygotes.

Submission:

Labcorp Genetics (formerly Invitae), Labcorp
Classification: Uncertain significance. Last evaluated: 2025-09-29. Review status: criteria provided, single submitter. Criteria: Invitae Variant Classification Sherloc (09022015). Collection method: clinical testing. Allele origin: germline.
Comment: This sequence change replaces proline, which is neutral and non-polar, with serine, which is neutral and polar, at codon 1251 of the COL4A4 protein (p.Pro1251Ser). This variant is present in population databases (no rsID available, gnomAD no frequency). This variant has not been reported in the literature in individuals affected with COL4A4-related conditions. Invitae Evidence Modeling of protein sequence and biophysical properties (such as structural, functional, and spatial information, amino acid conservation, physicochemical variation, residue mobility, and thermodynamic stability) indicates that this missense variant is not expected to disrupt COL4A4 protein function with a negative predictive value of 95%. In summary, the available evidence is currently insufficient to determine the role of this variant in disease. Therefore, it has been classified as a Variant of Uncertain Significance.

NM_000092.5(COL4A4):c.3751C>T (p.Pro1251Ser)

Gene: COL4A4 (collagen type IV alpha 4 chain; minus strand). Cytogenetic location: 2q36.3.
Variant type: single nucleotide variant.
Coding change: c.3751C>T on transcript NM_000092.5 (MANE Select); coding-DNA position 3751, C replaced by T.
Protein change: p.Pro1251Ser; replaces proline 1251 with serine.
Molecular consequence: missense variant.
Genome position (GRCh38, 1-based): chr2:227,032,011, G>A on the plus strand (C>T on the coding strand, the complement: COL4A4 is on the minus strand). VCF-style: chr2-227032011-G-A. GRCh37 (hg19) VCF-style: chr2-227896727-G-A.
Other names: short protein forms P1251S.
Identifiers: ClinVar variation 4739048 (VCV004739048.1).
Genomic context (GRCh38, chr2:227,032,011, plus strand): 5'-GGCCATCAGGACCAGGAGGTCCCTGATCTCCAGGTGGACCCGGGTCAGGAATGTCCTTAG[G>A]AGCTCTTCCTGTGGCACCTGCAGGACCAGGTGGTCCTGAACTCCCTAAGAAGAGACATGT-3'
Protein context (NP_000083.3, residues 1241-1261): PGPAGATGRA[Pro1251Ser]KDIPDPGPPG